The following is an entry in ClinVar:

NM_001963.6(EGF):c.1789A>G (p.Ile597Val)

Gene: EGF (epidermal growth factor; plus strand). Cytogenetic location: 4q25.
Variant type: single nucleotide variant.
Coding change: c.1789A>G on transcript NM_001963.6 (MANE Select); coding-DNA position 1789, A replaced by G.
Protein change: p.Ile597Val; replaces isoleucine 597 with valine.
Molecular consequence: missense variant.
Genome position (GRCh38, 1-based): chr4:109,974,767, A>G. VCF-style: chr4-109974767-A-G. GRCh37 (hg19) VCF-style: chr4-110895923-A-G.
Other names: c.1789A>G, p.Ile597Val (NM_001178130.3); c.1663A>G, p.Ile555Val (NM_001178131.3, NM_001357021.2); short protein forms I555V, I597V.
Identifiers: ClinVar variation 780933 (VCV000780933.14), dbSNP rs41482245, ClinGen allele CA3043793.

ClinVar aggregate classification (germline): Benign/Likely benign. Review status: criteria provided, multiple submitters, no conflicts (2 of 4 stars). 4 submissions from 4 submitters: Benign (3); Likely benign (1). Last evaluated 2025-12-16.

Conditions:
EGF-related disorder. Also called: EGF-related condition.
Renal hypomagnesemia 4. Also called: HYPOMAGNESEMIA, RENAL, NORMOCALCIURIC. Identifiers: Orphanet 34527, MedGen C2673648, MONDO:0012717, OMIM 611718.

Allele frequency attached by ClinVar (database versions not stated): gnomAD exomes 0.00095; ExAC 0.00119; gnomAD 0.00245; TOPMed 0.00324; ESP Exome Variant Server 0.00331; 1000 Genomes Project 0.00459; 1000 Genomes Project 30x 0.00484.
gnomAD v4.1: 1,058 of 1,613,672 alleles (0.066%); highest among the groups gnomAD compares: African/African-American, 0.99%; 6 homozygotes.

Submissions (4):

Labcorp Genetics (formerly Invitae), Labcorp
Classification: Benign. Last evaluated: 2025-12-16. Review status: criteria provided, single submitter. Criteria: Invitae Variant Classification Sherloc (09022015). Collection method: clinical testing. Allele origin: germline.

PreventionGenetics, part of Exact Sciences
Classification: Benign for EGF-related condition. Last evaluated: 2025-05-30. Review status: criteria provided, single submitter. Criteria: ACMG Guidelines, 2015. Collection method: clinical testing. Allele origin: germline.
Comment: This variant is classified as benign based on ACMG/AMP sequence variant interpretation guidelines (Richards et al. 2015 PMID: 25741868, with internal and published modifications).

Blueprint Genetics
Classification: Likely benign. Last evaluated: 2024-11-12. Review status: criteria provided, single submitter. Criteria: ACMG Guidelines, 2015. Collection method: clinical testing. Allele origin: germline.

Illumina Laboratory Services, Illumina
Classification: Benign for Renal hypomagnesemia 4. Last evaluated: 2017-10-30. Review status: criteria provided, single submitter. Criteria: ICSL Variant Classification Criteria 13 December 2019. Collection method: clinical testing. Allele origin: germline.
Comment: This variant was observed as part of a predisposition screen in an ostensibly healthy population. A literature search was performed for the gene, cDNA change, and amino acid change (where applicable). No publications were found based on this search. Allele frequency data from public databases was too high to be consistent with this variant causing disease. Therefore, this variant is classified as benign.